The following is an entry in ClinVar:

NM_001372.4(DNAH9):c.7436C>T (p.Thr2479Met)

Gene: DNAH9 (dynein axonemal heavy chain 9; plus strand). Cytogenetic location: 17p12.
Variant type: single nucleotide variant.
Coding change: c.7436C>T on transcript NM_001372.4 (MANE Select); coding-DNA position 7436, C replaced by T.
Protein change: p.Thr2479Met; replaces threonine 2479 with methionine.
Molecular consequence: missense variant.
Genome position (GRCh38, 1-based): chr17:11,769,213, C>T. VCF-style: chr17-11769213-C-T. GRCh37 (hg19) VCF-style: chr17-11672530-C-T.
Other names: short protein forms T2479M.
Identifiers: ClinVar variation 4811296 (VCV004811296.1).

ClinVar aggregate classification (germline): Uncertain significance (1 of 4 stars; one submission).

gnomAD v4.1: 27 of 1,614,166 alleles (0.0017%); highest among the groups gnomAD compares: East Asian, 0.016%; no homozygotes.

Submission:

Labcorp Genetics (formerly Invitae), Labcorp
Classification: Uncertain significance. Last evaluated: 2026-01-28. Review status: criteria provided, single submitter. Criteria: Invitae Variant Classification Sherloc (09022015). Collection method: clinical testing. Allele origin: germline.
Comment: This sequence change replaces threonine, which is neutral and polar, with methionine, which is neutral and non-polar, at codon 2479 of the DNAH9 protein (p.Thr2479Met). This variant is present in population databases (rs546685970, gnomAD 0.01%). This variant has not been reported in the literature in individuals affected with DNAH9-related conditions. Invitae Evidence Modeling of protein sequence and biophysical properties (such as structural, functional, and spatial information, amino acid conservation, physicochemical variation, residue mobility, and thermodynamic stability) indicates that this missense variant is expected to disrupt DNAH9 protein function with a positive predictive value of 80%. In summary, the available evidence is currently insufficient to determine the role of this variant in disease. Therefore, it has been classified as a Variant of Uncertain Significance.